The following is an entry in ClinVar:

NM_000492.4(CFTR):c.4048C>T (p.His1350Tyr)

Gene: CFTR (CF transmembrane conductance regulator; plus strand). Cytogenetic location: 7q31.2.
Variant type: single nucleotide variant.
Coding change: c.4048C>T on transcript NM_000492.4 (MANE Select); coding-DNA position 4048, C replaced by T.
Protein change: p.His1350Tyr; replaces histidine 1350 with tyrosine.
Molecular consequence: missense variant.
Genome position (GRCh38, 1-based): chr7:117,664,772, C>T. VCF-style: chr7-117664772-C-T. GRCh37 (hg19) VCF-style: chr7-117304826-C-T.
Other names: short protein forms H1350Y.
Identifiers: ClinVar variation 928958 (VCV000928958.6), dbSNP rs955306189, ClinGen allele CA164960198.

ClinVar aggregate classification (germline): Uncertain significance. Review status: criteria provided, multiple submitters, no conflicts (2 of 4 stars). 3 submissions from 3 submitters: Uncertain significance (2). 1 of the submissions does not count toward it. Last evaluated 2024-04-12.

Conditions:
Cystic fibrosis (CF). Also called: MUCOVISCIDOSIS. Identifiers: Orphanet 586, MedGen C0010674, MONDO:0009061, OMIM 219700. Disease mechanism: loss of function.
CFTR-related disorder (CFTR-RD). Also called: CFTR-related disorders; CFTR-related condition. Identifiers: MedGen C5924204, MONDO:7770004.

Allele frequency attached by ClinVar (database versions not stated): gnomAD 0.00001; TOPMed 0.00003.
gnomAD v4.1: 2 of 1,613,822 alleles (0.00012%); highest among the groups gnomAD compares: Admixed American, 0.0033%; no homozygotes.

Submissions (3):

Ambry Genetics
Classification: Uncertain significance for Cystic fibrosis. Last evaluated: 2024-04-12. Review status: criteria provided, single submitter. Criteria: Ambry Variant Classification Scheme 2023. Collection method: clinical testing. Allele origin: germline.
Comment: The p.H1350Y variant (also known as c.4048C>T), located in coding exon 25 of the CFTR gene, results from a C to T substitution at nucleotide position 4048. The histidine at codon 1350 is replaced by tyrosine, an amino acid with similar properties. This alteration was identified in an individual diagnosed with cystic fibrosis (Raraigh KS et al. J Cyst Fibros, 2022 May;21:463-470). This amino acid position is highly conserved in available vertebrate species. In addition, this alteration is predicted to be deleterious by in silico analysis. Based on the available evidence, the clinical significance of this variant remains unclear.

Women's Health and Genetics/Laboratory Corporation of America, LabCorp
Classification: Uncertain significance. Last evaluated: 2023-06-16. Review status: criteria provided, single submitter. Criteria: LabCorp Variant Classification Summary - May 2015. Collection method: clinical testing. Allele origin: germline.
Comment: Variant summary: CFTR c.4048C>T (p.His1350Tyr) results in a conservative amino acid change located in the AAA+ ATPase domain (IPR003593) of the encoded protein sequence. Four of five in-silico tools predict a damaging effect of the variant on protein function. The variant was absent in 251176 control chromosomes in GnomAD. The available data on variant occurrences in the general population are insufficient to allow any conclusion about variant significance. c.4048C>T has been reported in the literature in individuals affected with Cystic Fibrosis (example: Raraigh_2022b). These report(s) do not provide unequivocal conclusions about association of the variant with Cystic Fibrosis. To our knowledge, no experimental evidence demonstrating an impact on protein function has been reported. The following publication have been ascertained in the context of this evaluation (PMID: 34782259). Two clinical diagnostic laboratories have submitted clinical-significance assessments for this variant to ClinVar after 2014 without evidence for independent evaluation and both classified the variant as uncertain significance. Based on the evidence outlined above, the variant was classified as uncertain significance.

Natera, Inc.
Classification: Uncertain significance for CFTR-related disorders. Last evaluated: 2018-10-31. Review status: no assertion criteria provided. Collection method: clinical testing. Allele origin: germline. Not counted in ClinVar's aggregate classification.

Literature cited by the submitters: PubMed 34782259 (cited by Ambry Genetics and Women's Health and Genetics/Laboratory Corporation of America, LabCorp).